The following is an entry in ClinVar:

ClinVar aggregate classification (germline): Benign/Likely benign. Review status: criteria provided, multiple submitters, no conflicts (2 of 4 stars). 6 submissions from 6 submitters: Benign (1); Likely benign (5). Last evaluated 2025-08-24.

Conditions:
Lynch syndrome. Identifiers: Orphanet 144, MedGen C4552100, MONDO:0005835. Disease mechanism: loss of function.
Hereditary cancer-predisposing syndrome. Also called: Tumor predisposition; Hereditary Cancer Syndrome; Neoplastic Syndromes, Hereditary; Hereditary neoplastic syndrome. Identifiers: Orphanet 140162, MedGen C0027672, MeSH D009386, MONDO:0015356.
Hereditary nonpolyposis colorectal neoplasms. Identifiers: MedGen C0009405, MeSH D003123.
Lynch syndrome 5 (LYNCH5). Also called: Colorectal cancer, hereditary nonpolyposis, type 5; Hereditary non-polyposis colorectal cancer, type 5. Identifiers: Orphanet 144, MedGen C1833477, MONDO:0013710, OMIM 614350. Disease mechanism: loss of function.

Allele frequency attached by ClinVar (database versions not stated): gnomAD exomes below 0.00001; TOPMed below 0.00001.
gnomAD v4.1: 1 of 1,520,374 alleles (0.000066%); highest among the groups gnomAD compares: Non-Finnish European, 0.000088%; no homozygotes.

Submissions (6):

Labcorp Genetics (formerly Invitae), Labcorp
Classification: Likely benign for Hereditary nonpolyposis colorectal neoplasms. Last evaluated: 2025-08-24. Review status: criteria provided, single submitter. Criteria: Invitae Variant Classification Sherloc (09022015). Collection method: clinical testing. Allele origin: germline.

Myriad Genetics, Inc.
Classification: Benign for Lynch syndrome 5. Last evaluated: 2024-12-17. Review status: criteria provided, single submitter. Criteria: Myriad Autosomal Dominant, Autosomal Recessive and X-Linked Classification Criteria (2023). Collection method: clinical testing. Allele origin: unknown.
Comment: This variant is considered benign. This variant is a silent/synonymous amino acid change and it is not expected to impact splicing.

All of Us Research Program, National Institutes of Health
Classification: Likely benign for Lynch syndrome. Last evaluated: 2023-08-15. Review status: criteria provided, single submitter. Criteria: ACMG Guidelines, 2015. Collection method: clinical testing. Allele origin: germline. Inheritance: Autosomal dominant inheritance. Observed: 1 variant allele, 1 heterozygote.
Comment: This study involves interpretation of variants in research participants for the purpose of population health screening. Participant phenotype was not available at the time of variant classification. Additional details can be found in publication PMID: 35346344, PMCID: PMC8962531

Blueprint Genetics
Classification: Likely benign. Last evaluated: 2019-12-10. Review status: criteria provided, single submitter. Criteria: ACMG Guidelines, 2015. Collection method: clinical testing. Allele origin: germline.

Ambry Genetics
Classification: Likely benign for Hereditary cancer-predisposing syndrome. Last evaluated: 2019-12-05. Review status: criteria provided, single submitter. Criteria: Ambry Variant Classification Scheme 2023. Collection method: clinical testing. Allele origin: germline.

Color Diagnostics, LLC DBA Color Health
Classification: Likely benign for Hereditary cancer-predisposing syndrome. Last evaluated: 2017-07-28. Review status: criteria provided, single submitter. Criteria: ACMG Guidelines, 2015. Collection method: clinical testing. Allele origin: germline.

NM_000179.3(MSH6):c.183G>A (p.Ala61=)

Gene: MSH6 (mutS homolog 6; plus strand). Cytogenetic location: 2p16.3.
Variant type: single nucleotide variant.
Coding change: c.183G>A on transcript NM_000179.3 (MANE Select); coding-DNA position 183, G replaced by A.
Protein change: p.Ala61=; no amino-acid change (alanine 61 retained).
Molecular consequence: synonymous variant. On other transcripts: 5 prime UTR variant (1).
Genome position (GRCh38, 1-based): chr2:47,783,416, G>A. VCF-style: chr2-47783416-G-A. GRCh37 (hg19) VCF-style: chr2-48010555-G-A.
Other names: c.183G>A, p.Ala61= (NM_001281492.2); c.-554G>A (NM_001281493.2).
Identifiers: ClinVar variation 491884 (VCV000491884.17), dbSNP rs1060504757, ClinGen allele CA426120735.